The following is an entry in ClinVar:

NM_005257.6(GATA6):c.969CCA[11] (p.His333dup)

Gene: GATA6 (GATA binding protein 6; plus strand). Cytogenetic location: 18q11.2.
Variant type: Microsatellite.
Coding change: c.969CCA[11] on transcript NM_005257.6 (MANE Select); 11 copies in a row of the 3-base unit CCA starting at c.969; the reference has ten copies in a row; one copy, 3 bases duplicated.
Protein change: p.His333dup; duplicates histidine 333.
Molecular consequence: inframe insertion.
Genome position (GRCh38, 1-based): chr18:22,172,140-22,172,142, CCA duplicated; duplicating any 3 consecutive bases within chr18:22,172,112-22,172,142 gives the same sequence; the position shown is the placement nearest the transcript's 3' end. VCF-style (leftmost placement, unchanged base first): chr18-22172111-T-TACC. GRCh37 (hg19) VCF-style: chr18-19752072-T-TACC.
Other names: c.996_998dupCCA (NM_005257.5).
Identifiers: ClinVar variation 404060 (VCV000404060.23), dbSNP rs562588574, ClinGen allele CA8908910.

ClinVar aggregate classification (germline): Benign/Likely benign. Review status: criteria provided, multiple submitters, no conflicts (2 of 4 stars). 5 submissions from 5 submitters: Benign (1); Likely benign (3). 1 of the submissions does not count toward it. Last evaluated 2026-01-26.

Conditions:
GATA6-related disorder. Also called: GATA6-related condition.
Atrioventricular septal defect 5 (AVSD5). Identifiers: MedGen C3280939, MONDO:0013769, OMIM 614474.

Submissions (5):

Labcorp Genetics (formerly Invitae), Labcorp
Classification: Likely benign for Atrioventricular septal defect 5. Last evaluated: 2026-01-26. Review status: criteria provided, single submitter. Criteria: Invitae Variant Classification Sherloc (09022015). Collection method: clinical testing. Allele origin: germline.

Blueprint Genetics
Classification: Likely benign. Last evaluated: 2024-11-05. Review status: criteria provided, single submitter. Criteria: ACMG Guidelines, 2015. Collection method: clinical testing. Allele origin: germline.

GeneDx
Classification: Likely benign. Last evaluated: 2022-07-08. Review status: criteria provided, single submitter. Criteria: GeneDx Variant Classification Process June 2021. Collection method: clinical testing. Allele origin: germline. Affected: yes.
Comment: See Variant Classification Assertion Criteria.

Genetic Services Laboratory, University of Chicago
Classification: Benign. Last evaluated: 2021-05-24. Review status: criteria provided, single submitter. Criteria: ACMG Guidelines, 2015. Collection method: clinical testing. Allele origin: germline. Affected: no.

PreventionGenetics, part of Exact Sciences
Classification: Likely benign for GATA6-related condition. Last evaluated: 2020-01-28. Review status: no assertion criteria provided. Collection method: clinical testing. Allele origin: germline. Not counted in ClinVar's aggregate classification.
Comment: This variant is classified as likely benign based on ACMG/AMP sequence variant interpretation guidelines (Richards et al. 2015 PMID: 25741868, with internal and published modifications).